The following is an entry in ClinVar:

NM_002769.5(PRSS1):c.346C>A (p.Arg116Ser)

Genes: PRSS1 (serine protease 1; plus strand), TRB (T cell receptor beta locus; plus strand). Cytogenetic location: 7q34.
Variant type: single nucleotide variant.
Coding change: c.346C>A on transcript NM_002769.5 (MANE Select); coding-DNA position 346, C replaced by A.
Protein change: p.Arg116Ser; replaces arginine 116 with serine.
Molecular consequence: missense variant. On other transcripts: non-coding transcript variant (4).
Genome position (GRCh38, 1-based): chr7:142,751,919, C>A. VCF-style: chr7-142751919-C-A. GRCh37 (hg19) VCF-style: chr7-142459770-C-A.
Other names: short protein forms R116S.
Identifiers: ClinVar variation 2497475 (VCV002497475.2), dbSNP rs387906698, ClinGen allele CA369608877.

ClinVar aggregate classification (germline): Uncertain significance (1 of 4 stars; one submission).

Conditions:
Hereditary pancreatitis (PCTT). Also called: Hereditary chronic pancreatitis; PRSS1-Related Hereditary Pancreatitis. Identifiers: Orphanet 676, MedGen C0238339, MONDO:0008185, OMIM 167800.

Submission:

Ambry Genetics
Classification: Uncertain significance for Hereditary pancreatitis. Last evaluated: 2023-03-10. Review status: criteria provided, single submitter. Criteria: Ambry Variant Classification Scheme 2023. Collection method: clinical testing. Allele origin: germline.
Comment: The p.R116S variant (also known as c.346C>A), located in coding exon 3 of the PRSS1 gene, results from a C to A substitution at nucleotide position 346. The arginine at codon 116 is replaced by serine, an amino acid with dissimilar properties. This amino acid position is poorly conserved in available vertebrate species. In addition, the in silico prediction for this alteration is inconclusive. Since supporting evidence is limited at this time, the clinical significance of this alteration remains unclear.